The following is an entry in ClinVar:

NM_173602.3(DIP2B):c.161C>T (p.Pro54Leu)

Gene: DIP2B (DIP2 acetate--CoA ligase B (putative); plus strand). Cytogenetic location: 12q13.12.
Variant type: single nucleotide variant.
Coding change: c.161C>T on transcript NM_173602.3 (MANE Select); coding-DNA position 161, C replaced by T.
Protein change: p.Pro54Leu; replaces proline 54 with leucine.
Molecular consequence: missense variant.
Genome position (GRCh38, 1-based): chr12:50,626,036, C>T. VCF-style: chr12-50626036-C-T. GRCh37 (hg19) VCF-style: chr12-51019819-C-T.
Other names: short protein forms P54L.
Identifiers: ClinVar variation 3082435 (VCV003082435.2), dbSNP rs754872797, ClinGen allele CA6564161.

ClinVar aggregate classification (germline): Uncertain significance. Review status: criteria provided, multiple submitters, no conflicts (2 of 4 stars). 2 submissions from 2 submitters: Uncertain significance (2). Last evaluated 2025-10-09.

Allele frequency attached by ClinVar (database versions not stated): ExAC 0.00004.
gnomAD v4.1: 15 of 1,613,884 alleles (0.00093%); highest among the groups gnomAD compares: African/African-American, 0.0027%; no homozygotes.

Submissions (2):

Women's Health and Genetics/Laboratory Corporation of America, LabCorp
Classification: Uncertain significance. Last evaluated: 2025-10-09. Review status: criteria provided, single submitter. Criteria: LabCorp Variant Classification Summary - May 2015. Collection method: clinical testing. Allele origin: germline.
Comment: Variant summary: DIP2B c.161C>T (p.Pro54Leu) results in a non-conservative amino acid change in the encoded protein sequence. Algorithms developed to predict the effect of missense changes on protein structure and function are either unavailable or do not agree on the potential impact of this missense change. The variant allele was found at a frequency of 2e-05 in 251186 control chromosomes. The available data on variant occurrences in the general population are insufficient to allow any conclusion about variant significance. To our knowledge, no occurrence of c.161C>T in individuals affected with DIP2B-related conditions and no experimental evidence demonstrating its impact on protein function have been reported. ClinVar contains an entry for this variant (Variation ID: 3082435). Based on the evidence outlined above, the variant was classified as uncertain significance.

Ambry Genetics
Classification: Uncertain significance. Last evaluated: 2023-11-17. Review status: criteria provided, single submitter. Criteria: Ambry Variant Classification Scheme 2023. Collection method: clinical testing. Allele origin: germline.